The following is an entry in ClinVar:

NM_032119.4(ADGRV1):c.9173A>C (p.Lys3058Thr)

Gene: ADGRV1 (adhesion G protein-coupled receptor V1; plus strand). Cytogenetic location: 5q14.3.
Variant type: single nucleotide variant.
Coding change: c.9173A>C on transcript NM_032119.4 (MANE Select); coding-DNA position 9173, A replaced by C.
Protein change: p.Lys3058Thr; replaces lysine 3058 with threonine.
Molecular consequence: missense variant. On other transcripts: non-coding transcript variant (1).
Genome position (GRCh38, 1-based): chr5:90,712,417, A>C. VCF-style: chr5-90712417-A-C. GRCh37 (hg19) VCF-style: chr5-90008234-A-C.
Other names: short protein forms K3058T.
Identifiers: ClinVar variation 4881098 (VCV004881098.2).

ClinVar aggregate classification (germline): Uncertain significance (1 of 4 stars; one submission).

Conditions:
Usher syndrome type 2C. Also called: USHER SYNDROME, TYPE IIC; Usher syndrome, type 2B. Identifiers: Orphanet 231178, Orphanet 886, MedGen C2931213, MONDO:0011558, OMIM 605472.

Submission:

Dasa
Classification: Uncertain significance for Usher syndrome type 2C. Last evaluated: 2025-12-10. Review status: criteria provided, single submitter. Criteria: DASA Assertion Criteria. Collection method: clinical testing. Allele origin: germline.
Comment: NM_032119.4(ADGRV1):c.9173A>C (p.Lys3058Thr) is a missense variant that results in the substitution of lysine with threonine. This variant is rare in population databases. Computational prediction algorithms are consistent with a benign effect. The currently available literature and clinical evidence are not sufficient to establish a definitive association between this variant and the reported condition. Therefore, this variant is classified as a variant of uncertain significance.